The following is an entry in ClinVar:

NM_006017.3(PROM1):c.2209G>T (p.Glu737Ter)

Gene: PROM1 (prominin 1; minus strand). Cytogenetic location: 4p15.32.
Variant type: single nucleotide variant.
Coding change: c.2209G>T on transcript NM_006017.3 (MANE Select); coding-DNA position 2209, G replaced by T.
Protein change: p.Glu737Ter; replaces glutamic acid 737 with a stop codon.
Molecular consequence: nonsense.
Genome position (GRCh38, 1-based): chr4:15,985,959, C>A on the plus strand (G>T on the coding strand, the complement: PROM1 is on the minus strand). VCF-style: chr4-15985959-C-A. GRCh37 (hg19) VCF-style: chr4-15987582-C-A.
Other names: c.2182G>T, p.Glu728Ter (NM_001145847.2, NM_001145848.2, NM_001145851.2 and 4 more transcripts); c.2209G>T, p.Glu737Ter (NM_001145849.2, NM_001145850.2); short protein forms E728*, E737*.
Identifiers: ClinVar variation 1333399 (VCV001333399.1), dbSNP rs2149080351, ClinGen allele CA356428187.

ClinVar aggregate classification (germline): Likely pathogenic (1 of 4 stars; one submission).

Conditions:
Retinitis pigmentosa 41 (RP41). Also called: RETINAL DEGENERATION, AUTOSOMAL RECESSIVE, PROMININ-RELATED. Identifiers: Orphanet 791, MedGen C2677516, MONDO:0012796, OMIM 612095.

Submission:

3billion
Classification: Likely pathogenic for Retinitis pigmentosa 41. Last evaluated: 2022-01-03. Review status: criteria provided, single submitter. Criteria: ACMG Guidelines, 2015. Collection method: clinical testing. Allele origin: germline. Affected: yes. Observed: 1 heterozygote.
Comment: Stop-gained (nonsense): predicted to result in a loss or disruption of normal protein function through nonsense-mediated decay (NMD) or protein truncation. Multiple pathogenic variants are reported downstream of the variant (PVS1_VS). It is not observed in the gnomAD v2.1.1 dataset (PM2_M). Therefore, this variant is classified as likely pathogenic according to the recommendation of ACMG/AMP guideline.